The following is an entry in ClinVar:

NM_000051.4(ATM):c.7630C>A (p.Leu2544Ile)

Genes: ATM (ATM serine/threonine kinase; plus strand), C11orf65 (chromosome 11 open reading frame 65; minus strand). Cytogenetic location: 11q22.3.
Variant type: single nucleotide variant.
Coding change: c.7630C>A on transcript NM_000051.4 (MANE Select); coding-DNA position 7630, C replaced by A.
Protein change: p.Leu2544Ile; replaces leucine 2544 with isoleucine.
Molecular consequence: missense variant. On other transcripts: intron variant (2).
Genome position (GRCh38, 1-based): chr11:108,331,879, C>A. VCF-style: chr11-108331879-C-A. GRCh37 (hg19) VCF-style: chr11-108202606-C-A.
Other names: c.7630C>A, p.Leu2544Ile (NM_001351834.2); c.641-22808G>T (NM_001330368.2); c.*38+3341G>T (NM_001351110.2); short protein forms L2544I.
Identifiers: ClinVar variation 4618276 (VCV004618276.1).

ClinVar aggregate classification (germline): Uncertain significance (1 of 4 stars; one submission).

Conditions:
Hereditary cancer-predisposing syndrome. Also called: Hereditary Cancer Syndrome; Neoplastic Syndromes, Hereditary; Tumor predisposition; Hereditary neoplastic syndrome. Identifiers: Orphanet 140162, MedGen C0027672, MeSH D009386, MONDO:0015356.

gnomAD v4.1: 1 of 1,613,154 alleles (0.000062%); highest among the groups gnomAD compares: South Asian, 0.0011%; no homozygotes.

Submission:

Ambry Genetics
Classification: Uncertain significance for Hereditary cancer-predisposing syndrome. Last evaluated: 2025-11-09. Review status: criteria provided, single submitter. Criteria: Ambry Variant Classification Scheme 2023. Collection method: clinical testing. Allele origin: germline.
Comment: The p.L2544I variant (also known as c.7630C>A) is located in coding exon 51 of the ATM gene. The leucine at codon 2544 is replaced by isoleucine, an amino acid with highly similar properties. This change occurs in the first base pair of coding exon 51. This amino acid position is conserved. In addition, the in silico prediction for this alteration is inconclusive. Based on the available evidence, the clinical significance of this variant remains unclear.